The following is an entry in ClinVar:

ClinVar aggregate classification (germline): Benign. Review status: criteria provided, multiple submitters, no conflicts (2 of 4 stars). 2 submissions from 2 submitters: Benign (2). Last evaluated 2025-11-24.

Submissions (2):

Labcorp Genetics (formerly Invitae), Labcorp
Classification: Benign. Last evaluated: 2025-11-24. Review status: criteria provided, single submitter. Criteria: Invitae Variant Classification Sherloc (09022015). Collection method: clinical testing. Allele origin: germline.

Mayo Clinic Laboratories, Mayo Clinic
Classification: Benign. Last evaluated: 2025-05-19. Review status: criteria provided, single submitter. Criteria: ACMG Guidelines, 2015. Collection method: clinical testing. Allele origin: germline. Observed: 1 variant allele.
Comment: BS1, BS2, BP4, BP7

NM_003906.5(MCM3AP):c.2466-7_2466-4del

Gene: MCM3AP (minichromosome maintenance complex component 3 associated protein; minus strand). Cytogenetic location: 21q22.3.
Variant type: Microsatellite.
Coding change: c.2466-7_2466-4del on transcript NM_003906.5 (MANE Select); 7 bases into the intron before coding-DNA position 2466 through 4 bases into the intron before coding-DNA position 2466, 4 bases deleted (TTAA; older notation c.2466-7_2466-4delTTAA).
Molecular consequence: intron variant.
Genome position (GRCh38, 1-based): chr21:46,270,567-46,270,570, TTAA deleted on the plus strand (TTAA on the coding strand, the reverse complement: MCM3AP is on the minus strand); deleting any 4 consecutive bases within chr21:46,270,567-46,270,574 gives the same sequence; the c. name uses the placement nearest the transcript's 3' end. VCF-style (leftmost placement, unchanged base first): chr21-46270566-GTTAA-G. GRCh37 (hg19) VCF-style: chr21-47690480-GTTAA-G.
Other names: p.?.
Identifiers: ClinVar variation 779048 (VCV000779048.9), dbSNP rs754196255, ClinGen allele CA10076808.